The following is an entry in ClinVar:

NM_005458.8(GABBR2):c.2024C>G (p.Ala675Gly)

Gene: GABBR2 (gamma-aminobutyric acid type B receptor subunit 2; minus strand). Cytogenetic location: 9q22.33.
Variant type: single nucleotide variant.
Coding change: c.2024C>G on transcript NM_005458.8 (MANE Select); coding-DNA position 2024, C replaced by G.
Protein change: p.Ala675Gly; replaces alanine 675 with glycine.
Molecular consequence: missense variant.
Genome position (GRCh38, 1-based): chr9:98,306,326, G>C on the plus strand (C>G on the coding strand, the complement: GABBR2 is on the minus strand). VCF-style: chr9-98306326-G-C. GRCh37 (hg19) VCF-style: chr9-101068608-G-C.
Other names: short protein forms A675G.
Identifiers: ClinVar variation 5040055 (VCV005040055.1).

ClinVar aggregate classification (germline): Uncertain significance (1 of 4 stars; one submission).

Submission:

CeGaT Center for Human Genetics Tuebingen
Classification: Uncertain significance. Last evaluated: 2026-07-01. Review status: criteria provided, single submitter. Criteria: CeGaT Center For Human Genetics Tuebingen Variant Classification Criteria Version 2. Collection method: clinical testing. Allele origin: germline. Affected: yes. Observed: 1 variant allele.
Comment: GABBR2: PM2, PS2:Moderate, PP3